The following is an entry in ClinVar:

ClinVar aggregate classification (germline): Pathogenic/Likely pathogenic. Review status: criteria provided, multiple submitters, no conflicts (2 of 4 stars). 3 submissions from 3 submitters: Pathogenic (1); Likely pathogenic (2). Last evaluated 2023-10-30.

Conditions:
Cone-rod dystrophy and hearing loss 1 (CRDHL1). Identifiers: MedGen C5193018, MONDO:0020778, OMIM 617236.
CEP78-related disorder. Also called: CEP78-related condition.

Allele frequency attached by ClinVar (database versions not stated): TOPMed below 0.00001; gnomAD exomes 0.00001.

Submissions (3):

Labcorp Genetics (formerly Invitae), Labcorp
Classification: Pathogenic. Last evaluated: 2023-10-30. Review status: criteria provided, single submitter. Criteria: Invitae Variant Classification Sherloc (09022015). Collection method: clinical testing. Allele origin: germline.
Comment: This sequence change creates a premature translational stop signal (p.Ser568Leufs*25) in the CEP78 gene. It is expected to result in an absent or disrupted protein product. Loss-of-function variants in CEP78 are known to be pathogenic (PMID: 27588451, 27588452, 27627988). This variant is present in population databases (no rsID available, gnomAD 0.001%). This variant has not been reported in the literature in individuals affected with CEP78-related conditions. ClinVar contains an entry for this variant (Variation ID: 2164471). For these reasons, this variant has been classified as Pathogenic.

Department of Pathology and Laboratory Medicine, Sinai Health System
Classification: Likely pathogenic for Cone-rod dystrophy and hearing loss 1. Last evaluated: 2022-11-01. Review status: criteria provided, single submitter. Criteria: ACMG Guidelines, 2015. Collection method: research. Allele origin: germline.

Blueprint Genetics
Classification: Likely pathogenic for CEP78-related disorders. Last evaluated: 2022-07-21. Review status: criteria provided, single submitter. Criteria: ACMG Guidelines, 2015. Collection method: clinical testing. Allele origin: germline. Affected: yes. Observed: 2 variant alleles.

Literature cited by the submitters: PubMed 27588451 (cited by Labcorp Genetics (formerly Invitae), Labcorp); PubMed 27588452 (cited by Labcorp Genetics (formerly Invitae), Labcorp); PubMed 27627988 (cited by Labcorp Genetics (formerly Invitae), Labcorp).

NM_001330691.3(CEP78):c.1698_1701del (p.Ser567fs)

Gene: CEP78 (centrosomal protein 78; plus strand). Cytogenetic location: 9q21.2.
Variant type: Deletion.
Coding change: c.1698_1701del on transcript NM_001330691.3 (MANE Select); coding-DNA positions 1698 to 1701, 4 bases deleted (TTCT; older notation c.1698_1701delTTCT).
Protein change: p.Ser567fs; shifts the reading frame from serine 567.
Molecular consequence: frameshift variant.
Genome position (GRCh38, 1-based): chr9:78,265,444-78,265,447, TTCT deleted. VCF-style (leftmost placement, unchanged base first): chr9-78265443-CTTCT-C. GRCh37 (hg19) VCF-style: chr9-80880359-CTTCT-C.
Other names: c.1701_1704del, p.Ser568fs (NM_001098802.3, NM_001349839.2, NM_001349840.2 and 1 more transcripts); c.1698_1701del, p.Ser567fs (NM_001330693.3, NM_001330694.2, NM_001349838.2); short protein forms S568fs, S567fs.
Identifiers: ClinVar variation 2164471 (VCV002164471.6), dbSNP rs1306330581, ClinGen allele CA588775306.